The following is an entry in ClinVar:

NM_016222.4(DDX41):c.1324A>G (p.Lys442Glu)

Gene: DDX41 (DEAD-box helicase 41; minus strand). Cytogenetic location: 5q35.3.
Variant type: single nucleotide variant.
Coding change: c.1324A>G on transcript NM_016222.4 (MANE Select); coding-DNA position 1324, A replaced by G.
Protein change: p.Lys442Glu; replaces lysine 442 with glutamic acid.
Molecular consequence: missense variant.
Genome position (GRCh38, 1-based): chr5:177,512,855, T>C on the plus strand (A>G on the coding strand, the complement: DDX41 is on the minus strand). VCF-style: chr5-177512855-T-C. GRCh37 (hg19) VCF-style: chr5-176939856-T-C.
Other names: c.946A>G, p.Lys316Glu (NM_001321732.2, NM_001321830.2); short protein forms K442E, K316E.
Identifiers: ClinVar variation 3839068 (VCV003839068.1).
Genomic context (GRCh38, chr5:177,512,855, plus strand): 5'-TGGCTACGGCCTCAACCCCCTTGAGCAGCAGGTACTCGTGGATGGCGTCCACGTCTGCCT[T>C]CTTCTCTGCAAAGATGAGTACCTGTCCGGAAAGACCAACTCCAGTCAGGGGCTAACTGCC-3'
Protein context (NP_057306.2, residues 432-452): PPPVLIFAEK[Lys442Glu]ADVDAIHEYL

ClinVar aggregate classification (germline): Uncertain significance (1 of 4 stars; one submission).

Conditions:
Inborn genetic diseases. Identifiers: MedGen C0950123, MeSH D030342.

Submission:

Ambry Genetics
Classification: Uncertain significance for Inborn genetic diseases. Last evaluated: 2025-03-07. Review status: criteria provided, single submitter. Criteria: Ambry Variant Classification Scheme 2023. Collection method: clinical testing. Allele origin: germline.
Comment: The p.K442E variant (also known as c.1324A>G), located in coding exon 13 of the DDX41 gene, results from an A to G substitution at nucleotide position 1324. The lysine at codon 442 is replaced by glutamic acid, an amino acid with similar properties. This amino acid position is conserved. In addition, this alteration is predicted to be deleterious by in silico analysis. Based on the available evidence, the clinical significance of this variant remains unclear.